The following is an entry in ClinVar:

NM_007294.4(BRCA1):c.5468-8G>C

Gene: BRCA1 (BRCA1 DNA repair associated; minus strand). Cytogenetic location: 17q21.31.
Variant type: single nucleotide variant.
Coding change: c.5468-8G>C on transcript NM_007294.4 (MANE Select); 8 bases into the intron before coding-DNA position 5468, G replaced by C.
Molecular consequence: intron variant.
Genome position (GRCh38, 1-based): chr17:43,045,810, C>G on the plus strand (G>C on the coding strand, the complement: BRCA1 is on the minus strand). VCF-style: chr17-43045810-C-G. GRCh37 (hg19) VCF-style: chr17-41197827-C-G.
Other names: c.5321-8G>C (NM_001407841.1, NM_001407838.1, NM_001407848.1 and 12 more transcripts); c.5261-8G>C (NM_001407874.1, NM_001407875.1); c.2078-8G>C (NM_001408416.1, NM_001408414.1, NM_001408415.1 and 2 more transcripts); c.5255-8G>C (NM_001407571.1, NM_001407907.1, NM_001407902.1 and 12 more transcripts); c.5132-8G>C (NM_001407950.1, NM_001407953.1, NM_001407955.1 and 3 more transcripts); c.5135-8G>C (NM_001407948.1, NM_001407947.1, NM_001407949.1 and 1 more transcripts); c.1946-8G>C (NM_001408484.1, NM_001408485.1, NM_001408483.1 and 5 more transcripts); c.1949-8G>C (NM_001408478.1, NM_001408480.1, NM_001408479.1); and 83 more.
Identifiers: ClinVar variation 867564 (VCV000867564.7), dbSNP rs1597797270, ClinGen allele CA916080714.

ClinVar aggregate classification (germline): Benign/Likely benign. Review status: criteria provided, multiple submitters, no conflicts (2 of 4 stars). 2 submissions from 2 submitters: Benign (1); Likely benign (1). Last evaluated 2025-10-13.

Conditions:
Hereditary cancer-predisposing syndrome. Also called: Neoplastic Syndromes, Hereditary; Tumor predisposition; Hereditary Cancer Syndrome; Hereditary neoplastic syndrome. Identifiers: Orphanet 140162, MedGen C0027672, MeSH D009386, MONDO:0015356.
Hereditary breast ovarian cancer syndrome. Also called: Hereditary breast and ovarian cancer; Hereditary breast and ovarian cancer syndrome (HBOC); Breast and ovarian cancer; Hereditary breast and/or ovarian cancer syndrome; BRCA1- and BRCA2-Associated Hereditary Breast and Ovarian Cancer; Hereditary breast and ovarian cancer syndrome. Identifiers: Orphanet 145, MedGen C0677776, MeSH D061325, MONDO:0003582. Disease mechanism: loss of function.

Submissions (3):

Labcorp Genetics (formerly Invitae), Labcorp
Classification: Benign for Hereditary breast ovarian cancer syndrome. Last evaluated: 2025-10-13. Review status: criteria provided, single submitter. Criteria: Invitae Variant Classification Sherloc (09022015). Collection method: clinical testing. Allele origin: germline.

Color Diagnostics, LLC DBA Color Health
Classification: Likely benign for Hereditary cancer-predisposing syndrome. Last evaluated: 2022-06-21. Review status: criteria provided, single submitter. Criteria: ACMG Guidelines, 2015. Collection method: clinical testing. Allele origin: germline.

Brotman Baty Institute, University of Washington
No classification provided (evidence only). Condition: Breast-ovarian cancer, familial 1. Review status: no classification provided. Collection method: in vitro. Allele origin: not applicable. Functional consequence: functionally_normal. Not counted in ClinVar's aggregate classification.
ClinVar note: "not provided" was previously submitted as the classification for the variant. However, the classification appeared to be based only on an observation of functional data so it was converted to no classification on 2025-07-30.